The following is an entry in ClinVar:

NM_001018115.3(FANCD2):c.2859+13C>G

Genes: FANCD2 (FA complementation group D2; plus strand), LOC107303338 (3p25 FANCD2 Alu-mediated recombination region; plus strand). Cytogenetic location: 3p25.3.
Variant type: single nucleotide variant.
Coding change: c.2859+13C>G on transcript NM_001018115.3 (MANE Select); 13 bases into the intron after coding-DNA position 2859, C replaced by G.
Molecular consequence: intron variant.
Genome position (GRCh38, 1-based): chr3:10,074,686, C>G. VCF-style: chr3-10074686-C-G. GRCh37 (hg19) VCF-style: chr3-10116370-C-G.
Other names: c.2859+13C>G (NM_001319984.2, NM_033084.6, NM_001374254.1); c.2748+13C>G (NM_001374253.1).
Identifiers: ClinVar variation 1497582 (VCV001497582.8), dbSNP rs376913349, ClinGen allele CA2250203.

ClinVar aggregate classification (germline): Uncertain significance. Review status: criteria provided, multiple submitters, no conflicts (2 of 4 stars). 2 submissions from 2 submitters: Uncertain significance (2). Last evaluated 2025-01-11.

Conditions:
Fanconi anemia (FA). Also called: Fanconi's anemia. Identifiers: Orphanet 84, MedGen C0015625, MeSH D005199, MONDO:0019391.
Fanconi anemia complementation group D2. Also called: FANCD2-Related Fanconi Anemia; FANCONI PANCYTOPENIA, TYPE 4; FANCONI ANEMIA, COMPLEMENTATION GROUP D. Identifiers: Orphanet 84, MedGen C3160738, MONDO:0009214, OMIM 227646.

Allele frequency attached by ClinVar (database versions not stated): gnomAD exomes below 0.00001 and 0.00002; ExAC 0.00002; TOPMed 0.00005; gnomAD 0.00006; ESP Exome Variant Server 0.00008.

Submissions (2):

Labcorp Genetics (formerly Invitae), Labcorp
Classification: Uncertain significance for Fanconi anemia. Last evaluated: 2025-01-11. Review status: criteria provided, single submitter. Criteria: Invitae Variant Classification Sherloc (09022015). Collection method: clinical testing. Allele origin: germline.
Comment: This sequence change falls in intron 29 of the FANCD2 gene. It does not directly change the encoded amino acid sequence of the FANCD2 protein. This variant is present in population databases (rs376913349, gnomAD 0.02%). This variant has not been reported in the literature in individuals affected with FANCD2-related conditions. ClinVar contains an entry for this variant (Variation ID: 1497582). Algorithms developed to predict the effect of sequence changes on RNA splicing suggest that this variant may create or strengthen a splice site. In summary, the available evidence is currently insufficient to determine the role of this variant in disease. Therefore, it has been classified as a Variant of Uncertain Significance.

Fulgent Genetics
Classification: Uncertain significance for Fanconi anemia complementation group D2. Last evaluated: 2021-10-10. Review status: criteria provided, single submitter. Criteria: ACMG Guidelines, 2015. Collection method: clinical testing. Allele origin: unknown.